The following is an entry in ClinVar:

ClinVar aggregate classification (germline): Uncertain significance. Review status: criteria provided, single submitter (1 of 4 stars). 2 submissions from 2 submitters: Uncertain significance (1). 1 of the submissions does not count toward it. Last evaluated 2014-08-11.

Conditions:
PCNT-related disorder. Also called: PCNT-related condition.

Submissions (2):

Genetic Services Laboratory, University of Chicago
Classification: Uncertain significance. Last evaluated: 2014-08-11. Review status: criteria provided, single submitter. Criteria: ACMG Guidelines, 2015. Collection method: clinical testing. Allele origin: germline.

PreventionGenetics, part of Exact Sciences
Classification: Uncertain significance for PCNT-related condition. Last evaluated: 2024-03-28. Review status: no assertion criteria provided. Collection method: clinical testing. Allele origin: germline. Not counted in ClinVar's aggregate classification.
Comment: The PCNT c.430_507del78 variant is predicted to result in an in-frame deletion (p.Val148_Thr173del). To our knowledge, this variant has not been reported in the literature. This variant is reported in 0.00091% of alleles in individuals of European (Non-Finnish) descent in gnomAD. At this time, the clinical significance of this variant is uncertain due to the absence of conclusive functional and genetic evidence.

NM_006031.6(PCNT):c.442_519del (p.Val148_Thr173del)

Gene: PCNT (pericentrin; plus strand). Cytogenetic location: 21q22.3.
Variant type: Deletion.
Coding change: c.442_519del on transcript NM_006031.6 (MANE Select); coding-DNA positions 442 to 519, 78 bases deleted.
Protein change: p.Val148_Thr173del.
Molecular consequence: inframe deletion.
Genome position (GRCh38, 1-based): chr21:46,334,571-46,334,648, 78 bases deleted. GRCh37 (hg19): chr21:47,754,485-47,754,562.
Other names: c.88_165del, p.Val30_Thr55del (NM_001315529.2); c.430_507del78 (NM_006031.5).
Identifiers: ClinVar variation 211860 (VCV000211860.7), dbSNP rs1555945478, ClinGen allele CA205246.